The following is an entry in ClinVar:

NM_005732.4(RAD50):c.3856T>G (p.Phe1286Val)

Genes: RAD50 (RAD50 double strand break repair protein; plus strand), TH2LCRR (T helper type 2 locus control region associated RNA; minus strand). Cytogenetic location: 5q31.1.
Variant type: single nucleotide variant.
Coding change: c.3856T>G on transcript NM_005732.4 (MANE Select); coding-DNA position 3856, T replaced by G.
Protein change: p.Phe1286Val; replaces phenylalanine 1286 with valine.
Molecular consequence: missense variant. On other transcripts: non-coding transcript variant (1).
Genome position (GRCh38, 1-based): chr5:132,642,281, T>G. VCF-style: chr5-132642281-T-G. GRCh37 (hg19) VCF-style: chr5-131977973-T-G.
Other names: short protein forms F1286V.
Identifiers: ClinVar variation 4862826 (VCV004862826.1).
Genomic context (GRCh38, chr5:132,642,281, plus strand): 5'-GTAATCACTCATGATGAAGATTTTGTGGAGCTTTTAGGACGTTCTGAATATGTGGAGAAA[T>G]TCTACAGGATTAAAAAGAACATCGATCAGTGCTCAGAGATTGTGAAATGCAGTGTTAGCT-3'
Protein context (NP_005723.2, residues 1276-1296): LLGRSEYVEK[Phe1286Val]YRIKKNIDQC

ClinVar aggregate classification (germline): Uncertain significance (1 of 4 stars; one submission).

Conditions:
Hereditary cancer-predisposing syndrome. Also called: Neoplastic Syndromes, Hereditary; Tumor predisposition; Hereditary Cancer Syndrome; Hereditary neoplastic syndrome. Identifiers: Orphanet 140162, MedGen C0027672, MeSH D009386, MONDO:0015356.

Submission:

Ambry Genetics
Classification: Uncertain significance for Hereditary cancer-predisposing syndrome. Last evaluated: 2026-03-16. Review status: criteria provided, single submitter. Criteria: Ambry Variant Classification Scheme 2023. Collection method: clinical testing. Allele origin: germline.
Comment: The p.F1286V variant (also known as c.3856T>G), located in coding exon 25 of the RAD50 gene, results from a T to G substitution at nucleotide position 3856. The phenylalanine at codon 1286 is replaced by valine, an amino acid with highly similar properties. This amino acid position is conserved. In addition, this alteration is predicted to be deleterious by in silico analysis. Based on the available evidence, the clinical significance of this variant remains unclear.